The following is an entry in ClinVar:

NM_000038.6(APC):c.7779C>T (p.Asn2593=)

Gene: APC (APC regulator of Wnt signaling pathway; plus strand). Cytogenetic location: 5q22.2.
Variant type: single nucleotide variant.
Coding change: c.7779C>T on transcript NM_000038.6 (MANE Select); coding-DNA position 7779, C replaced by T.
Protein change: p.Asn2593=; no amino-acid change (asparagine 2593 retained).
Molecular consequence: synonymous variant.
Genome position (GRCh38, 1-based): chr5:112,843,373, C>T. VCF-style: chr5-112843373-C-T. GRCh37 (hg19) VCF-style: chr5-112179070-C-T.
Other names: c.7779C>T, p.Asn2593= (NM_001127510.3, NM_001354895.2); c.7725C>T, p.Asn2575= (NM_001127511.3); c.7833C>T, p.Asn2611= (NM_001354896.2); c.7809C>T, p.Asn2603= (NM_001354897.2); c.7704C>T, p.Asn2568= (NM_001354898.2); c.7695C>T, p.Asn2565= (NM_001354899.2); c.7656C>T, p.Asn2552= (NM_001354900.2); c.7602C>T, p.Asn2534= (NM_001354901.2); and 5 more.
Identifiers: ClinVar variation 470109 (VCV000470109.19), dbSNP rs1425732484, ClinGen allele CA446211221.

ClinVar aggregate classification (germline): Conflicting classifications of pathogenicity. Review status: criteria provided, conflicting classifications (1 of 4 stars). 6 submissions from 6 submitters: Uncertain significance (1); Benign (1); Likely benign (4). Last evaluated 2025-12-21.

Conditions:
Hereditary cancer-predisposing syndrome. Also called: Hereditary neoplastic syndrome; Neoplastic Syndromes, Hereditary; Tumor predisposition; Hereditary Cancer Syndrome. Identifiers: Orphanet 140162, MedGen C0027672, MeSH D009386, MONDO:0015356.
Familial adenomatous polyposis 1 (FAP1). Also called: POLYPOSIS, ADENOMATOUS INTESTINAL; FAMILIAL ADENOMATOUS POLYPOSIS 1, ATTENUATED. Identifiers: MedGen C2713442, MONDO:0021056, OMIM 175100. Disease mechanism: loss of function.
Classic or attenuated familial adenomatous polyposis. Identifiers: MedGen CN372698, MONDO:0021057.

Allele frequency attached by ClinVar (database versions not stated): TOPMed 0.00001.
gnomAD v4.1: 1 of 1,613,830 alleles (0.000062%); no homozygotes.

Submissions (6):

Labcorp Genetics (formerly Invitae), Labcorp
Classification: Likely benign for Familial adenomatous polyposis 1. Last evaluated: 2025-12-21. Review status: criteria provided, single submitter. Criteria: Invitae Variant Classification Sherloc (09022015). Collection method: clinical testing. Allele origin: germline.

Quest Diagnostics Nichols Institute San Juan Capistrano
Classification: Uncertain significance. Last evaluated: 2024-05-21. Review status: criteria provided, single submitter. Criteria: Quest Diagnostics criteria. Collection method: clinical testing. Allele origin: unknown.
Comment: The APC c.7779C>T (p.Asn2593=) synonymous variant has not been reported in individuals with APC-related conditions in the published literature. It also has not been reported in large, multi-ethnic general populations (Genome Aggregation Database). Analysis of this variant using software algorithms for the prediction of the effect of nucleotide changes on splicing yielded predictions that this variant does not affect APC mRNA splicing. Based on the available information, we are unable to determine the clinical significance of this variant.

Myriad Genetics, Inc.
Classification: Benign for Familial adenomatous polyposis 1. Last evaluated: 2024-04-10. Review status: criteria provided, single submitter. Criteria: Myriad Autosomal Dominant, Autosomal Recessive and X-Linked Classification Criteria (2023). Collection method: clinical testing. Allele origin: unknown.
Comment: This variant is considered benign. This variant is a silent/synonymous amino acid change and it is not expected to impact splicing.

All of Us Research Program, National Institutes of Health
Classification: Likely benign for Classic or attenuated familial adenomatous polyposis. Last evaluated: 2023-02-10. Review status: criteria provided, single submitter. Criteria: ACMG Guidelines, 2015. Collection method: clinical testing. Allele origin: germline. Inheritance: Autosomal dominant inheritance. Observed: 1 variant allele, 1 heterozygote.
Comment: This study involves interpretation of variants in research participants for the purpose of population health screening. Participant phenotype was not available at the time of variant classification. Additional details can be found in publication PMID: 35346344, PMCID: PMC8962531

Ambry Genetics
Classification: Likely benign for Hereditary cancer-predisposing syndrome. Last evaluated: 2020-04-29. Review status: criteria provided, single submitter. Criteria: Ambry Variant Classification Scheme 2023. Collection method: clinical testing. Allele origin: germline.

Color Diagnostics, LLC DBA Color Health
Classification: Likely benign for Hereditary cancer-predisposing syndrome. Last evaluated: 2018-09-17. Review status: criteria provided, single submitter. Criteria: ACMG Guidelines, 2015. Collection method: clinical testing. Allele origin: germline.